The following is an entry in ClinVar:

NM_000419.5(ITGA2B):c.1051C>T (p.Arg351Ter)

Gene: ITGA2B (integrin subunit alpha 2b; minus strand). Cytogenetic location: 17q21.31.
Variant type: single nucleotide variant.
Coding change: c.1051C>T on transcript NM_000419.5 (MANE Select); coding-DNA position 1051, C replaced by T.
Protein change: p.Arg351Ter; replaces arginine 351 with a stop codon.
Molecular consequence: nonsense.
Genome position (GRCh38, 1-based): chr17:44,383,652, G>A on the plus strand (C>T on the coding strand, the complement: ITGA2B is on the minus strand). VCF-style: chr17-44383652-G-A. GRCh37 (hg19) VCF-style: chr17-42461020-G-A.
Other names: short protein forms R351*.
Identifiers: ClinVar variation 1210184 (VCV001210184.1), dbSNP rs1032879686, ClinGen allele CA290954030.

ClinVar aggregate classification (germline): Pathogenic (3 of 4 stars; one submission).

Conditions:
Glanzmann thrombasthenia. Also called: BLEEDING DISORDER, PLATELET-TYPE, 2; THROMBASTHENIA OF GLANZMANN AND NAEGELI; PLATELET GLYCOPROTEIN IIb-IIIa DEFICIENCY; Thrombasthenia; Glanzmann's thrombasthenia. Identifiers: Orphanet 849, MedGen C0040015, MONDO:0100326.

Allele frequency attached by ClinVar (database versions not stated): gnomAD exomes 0.00001.
gnomAD v4.1: 16 of 1,597,114 alleles (0.001%); highest among the groups gnomAD compares: African/African-American, 0.0027%; no homozygotes.

Submission:

ClinGen Platelet Disorders Variant Curation Expert Panel, ClinGen
Classification: Pathogenic for Glanzmann thrombasthenia. Last evaluated: 2021-08-17. Review status: reviewed by expert panel. Criteria: ClinGen Platelet ACMG Specifications v2. Collection method: curation. Allele origin: germline. Inheritance: Autosomal recessive inheritance.
Comment: The nonsense variant, NM_000419.5(ITGA2B):c.1051C>T (p.Arg351Ter), has been reported in one compound heterozygous proband (PMID: 29675921) and is absent from population databases. This nonsense variant occurs in exon 12 and is predicted to result in NMD. In summary, this variant meets criteria to be classified as pathogenic for GT. GT-specific criteria applied: PVS1, PP4_strong, and PM2_Supporting.